The following is an entry in ClinVar:

ClinVar aggregate classification (germline): Uncertain significance. Review status: criteria provided, multiple submitters, no conflicts (2 of 4 stars). 2 submissions from 2 submitters: Uncertain significance (2). Last evaluated 2025-11-02.

Submissions (2):

Ambry Genetics
Classification: Uncertain significance. Last evaluated: 2025-11-02. Review status: criteria provided, single submitter. Criteria: Ambry Variant Classification Scheme 2023. Collection method: clinical testing. Allele origin: germline.

Labcorp Genetics (formerly Invitae), Labcorp
Classification: Uncertain significance. Last evaluated: 2024-02-24. Review status: criteria provided, single submitter. Criteria: Invitae Variant Classification Sherloc (09022015). Collection method: clinical testing. Allele origin: germline.
Comment: This sequence change replaces threonine, which is neutral and polar, with serine, which is neutral and polar, at codon 40 of the ATP2B2 protein (p.Thr40Ser). This variant is present in population databases (rs746140832, gnomAD 0.03%). This variant has not been reported in the literature in individuals affected with ATP2B2-related conditions. Advanced modeling of protein sequence and biophysical properties (such as structural, functional, and spatial information, amino acid conservation, physicochemical variation, residue mobility, and thermodynamic stability) performed at Invitae indicates that this missense variant is not expected to disrupt ATP2B2 protein function with a negative predictive value of 80%. In summary, the available evidence is currently insufficient to determine the role of this variant in disease. Therefore, it has been classified as a Variant of Uncertain Significance.

NM_001001331.4(ATP2B2):c.118A>T (p.Thr40Ser)

Gene: ATP2B2 (ATPase plasma membrane Ca2+ transporting 2; minus strand). Cytogenetic location: 3p25.3.
Variant type: single nucleotide variant.
Coding change: c.118A>T on transcript NM_001001331.4 (MANE Select); coding-DNA position 118, A replaced by T.
Protein change: p.Thr40Ser; replaces threonine 40 with serine.
Molecular consequence: missense variant.
Genome position (GRCh38, 1-based): chr3:10,449,426, T>A on the plus strand (A>T on the coding strand, the complement: ATP2B2 is on the minus strand). VCF-style: chr3-10449426-T-A. GRCh37 (hg19) VCF-style: chr3-10491110-T-A.
Other names: c.118A>T, p.Thr40Ser (NM_001330611.3, NM_001353564.1, NM_001363862.1 and 1 more transcripts); c.118A>T (NM_001683.3); short protein forms T40S.
Identifiers: ClinVar variation 3614909 (VCV003614909.3).